The following is an entry in ClinVar:

NM_004385.5(VCAN):c.308T>C (p.Val103Ala)

Gene: VCAN (versican; plus strand). Cytogenetic location: 5q14.2.
Variant type: single nucleotide variant.
Coding change: c.308T>C on transcript NM_004385.5 (MANE Select); coding-DNA position 308, T replaced by C.
Protein change: p.Val103Ala; replaces valine 103 with alanine.
Molecular consequence: missense variant.
Genome position (GRCh38, 1-based): chr5:83,490,335, T>C. VCF-style: chr5-83490335-T-C. GRCh37 (hg19) VCF-style: chr5-82786154-T-C.
Other names: c.308T>C, p.Val103Ala (NM_001126336.3, NM_001164097.2, NM_001164098.2); short protein forms V103A.
Identifiers: ClinVar variation 1053820 (VCV001053820.10), dbSNP rs374089541, ClinGen allele CA3332420.

ClinVar aggregate classification (germline): Uncertain significance (1 of 4 stars; one submission).

Allele frequency attached by ClinVar (database versions not stated): gnomAD 0.00001; gnomAD exomes 0.00002 and 0.00003; TOPMed 0.00003; ExAC 0.00004; ESP Exome Variant Server 0.00008.
gnomAD v4.1: 43 of 1,614,104 alleles (0.0027%); highest among the groups gnomAD compares: Non-Finnish European, 0.0035%; no homozygotes.

Submission:

Labcorp Genetics (formerly Invitae), Labcorp
Classification: Uncertain significance. Last evaluated: 2025-03-19. Review status: criteria provided, single submitter. Criteria: Invitae Variant Classification Sherloc (09022015). Collection method: clinical testing. Allele origin: germline.
Comment: This sequence change replaces valine, which is neutral and non-polar, with alanine, which is neutral and non-polar, at codon 103 of the VCAN protein (p.Val103Ala). This variant is present in population databases (rs374089541, gnomAD 0.004%). This variant has not been reported in the literature in individuals affected with VCAN-related conditions. ClinVar contains an entry for this variant (Variation ID: 1053820). An algorithm developed to predict the effect of missense changes on protein structure and function (PolyPhen-2) suggests that this variant is likely to be disruptive. In summary, the available evidence is currently insufficient to determine the role of this variant in disease. Therefore, it has been classified as a Variant of Uncertain Significance.